The following is an entry in ClinVar:

NM_000061.3(BTK):c.31C>A (p.Leu11Met)

Gene: BTK (Bruton tyrosine kinase; minus strand). Cytogenetic location: Xq22.1.
Variant type: single nucleotide variant.
Coding change: c.31C>A on transcript NM_000061.3 (MANE Select); coding-DNA position 31, C replaced by A.
Protein change: p.Leu11Met; replaces leucine 11 with methionine.
Molecular consequence: missense variant.
Genome position (GRCh38, 1-based): chrX:101,375,254, G>T on the plus strand (C>A on the coding strand, the complement: BTK is on the minus strand). VCF-style: chrX-101375254-G-T. GRCh37 (hg19) VCF-style: chrX-100630242-G-T.
Other names: c.133C>A, p.Leu45Met (NM_001287344.2); c.31C>A, p.Leu11Met (NM_001287345.2); short protein forms L11M, L45M.
Identifiers: ClinVar variation 3623379 (VCV003623379.2).

ClinVar aggregate classification (germline): Uncertain significance (1 of 4 stars; one submission).

Conditions:
X-linked agammaglobulinemia with growth hormone deficiency (IGHD3). Also called: HYPOGAMMAGLOBULINEMIA AND ISOLATED GROWTH HORMONE DEFICIENCY, X-LINKED; IGHD III; ISOLATED GROWTH HORMONE DEFICIENCY, TYPE III, WITH AGAMMAGLOBULINEMIA; AGAMMAGLOBULINEMIA AND ISOLATED GROWTH HORMONE DEFICIENCY, X-LINKED; Isolated growth hormone deficiency type 3; Growth hormone deficiency with hypogammaglobulinemia. Identifiers: Orphanet 231692, Orphanet 631, MedGen C0472813, MONDO:0010615, OMIM 307200.

Submission:

Labcorp Genetics (formerly Invitae), Labcorp
Classification: Uncertain significance for X-linked agammaglobulinemia with growth hormone deficiency. Last evaluated: 2024-04-15. Review status: criteria provided, single submitter. Criteria: Invitae Variant Classification Sherloc (09022015). Collection method: clinical testing. Allele origin: germline.
Comment: This sequence change replaces leucine, which is neutral and non-polar, with methionine, which is neutral and non-polar, at codon 11 of the BTK protein (p.Leu11Met). This variant is not present in population databases (gnomAD no frequency). This variant has not been reported in the literature in individuals affected with BTK-related conditions. Advanced modeling of protein sequence and biophysical properties (such as structural, functional, and spatial information, amino acid conservation, physicochemical variation, residue mobility, and thermodynamic stability) performed at Invitae indicates that this missense variant is not expected to disrupt BTK protein function with a negative predictive value of 95%. This variant disrupts the p.Leu11 amino acid residue in BTK. Other variant(s) that disrupt this residue have been determined to be pathogenic (PMID: 9192269, 19039656, 27512878). This suggests that this residue is clinically significant, and that variants that disrupt this residue are likely to be disease-causing. In summary, the available evidence is currently insufficient to determine the role of this variant in disease. Therefore, it has been classified as a Variant of Uncertain Significance.

Literature cited by the submitters: PubMed 9192269; PubMed 19039656; PubMed 27512878.